The following is an entry in ClinVar:

ClinVar aggregate classification (germline): Likely pathogenic (1 of 4 stars; one submission).

Conditions:
Heterotaxy, visceral, 1, X-linked (HTX1). Also called: DEXTROCARDIA WITH OTHER CARDIAC MALFORMATIONS; Laterality, X-linked; Visceral heterotaxia; SITUS INVERSUS, COMPLEX CARDIAC DEFECTS, AND SPLENIC DEFECTS, X-LINKED. Identifiers: Orphanet 450, MedGen C1844020, MONDO:0010607, OMIM 306955.
VACTERL association, X-linked, with or without hydrocephalus (VACTERLX). Also called: VACTERL-H, X-LINKED; X-linked VACTERL-H syndrome; VACTERL ASSOCIATION, X-LINKED; VACTERL Association with Hydrocephalus, X-linked. Identifiers: Orphanet 3412, MedGen C2931228, MONDO:0010752, OMIM 314390.

Submission:

Illumina Laboratory Services, Illumina
Classification: Likely pathogenic for Heterotaxy, visceral, 1, X-linked; VACTERL association, X-linked, with or without hydrocephalus. Last evaluated: 2023-09-27. Review status: criteria provided, single submitter. Criteria: ICSLVariantClassificationCriteria RUGD 01 April 2020. Collection method: clinical testing. Allele origin: unknown.
Comment: The ZIC3 c.973G>A p.(Glu325Lys) missense variant has not, to our knowledge, been reported in the peer-reviewed literature. This variant is not observed in version 2.1.1 or version 3.1.2 of the Genome Aggregation Database. The p.(Glu325Lys) variant is located in the nuclear export signal domain, which is important for appropriate cellular localization and trafficking of ZIC3 (PMID: 17185387). Multiple lines of computational evidence suggest the variant may impact the gene or gene product. Based on the available evidence, the c.973G>A p.(Glu325Lys) variant is classified as likely pathogenic for ZIC3-related disorders.

Literature cited by the submitters: PubMed 17185387.

NM_003413.4(ZIC3):c.973G>A (p.Glu325Lys)

Gene: ZIC3 (Zic family zinc finger 3; plus strand). Cytogenetic location: Xq26.3.
Variant type: single nucleotide variant.
Coding change: c.973G>A on transcript NM_003413.4 (MANE Select); coding-DNA position 973, G replaced by A.
Protein change: p.Glu325Lys; replaces glutamic acid 325 with lysine.
Molecular consequence: missense variant.
Genome position (GRCh38, 1-based): chrX:137,567,664, G>A. VCF-style: chrX-137567664-G-A. GRCh37 (hg19) VCF-style: chrX-136649823-G-A.
Other names: c.973G>A, p.Glu325Lys (NM_001330661.1); short protein forms E325K.
Identifiers: ClinVar variation 3893233 (VCV003893233.1).